The following is an entry in ClinVar:

NM_194277.3(FRMD7):c.282A>G (p.Thr94=)

Gene: FRMD7 (FERM domain containing 7; minus strand). Cytogenetic location: Xq26.2.
Variant type: single nucleotide variant.
Coding change: c.282A>G on transcript NM_194277.3 (MANE Select); coding-DNA position 282, A replaced by G.
Protein change: p.Thr94=; no amino-acid change (threonine 94 retained).
Molecular consequence: synonymous variant.
Genome position (GRCh38, 1-based): chrX:132,097,268, T>C on the plus strand (A>G on the coding strand, the complement: FRMD7 is on the minus strand). VCF-style: chrX-132097268-T-C. GRCh37 (hg19) VCF-style: chrX-131231296-T-C.
Other names: c.237A>G, p.Thr79= (NM_001306193.2).
Identifiers: ClinVar variation 2824478 (VCV002824478.3), dbSNP rs2520830925, ClinGen allele CA518613267.

ClinVar aggregate classification (germline): Uncertain significance (1 of 4 stars; one submission).

Submission:

Labcorp Genetics (formerly Invitae), Labcorp
Classification: Uncertain significance. Last evaluated: 2022-12-27. Review status: criteria provided, single submitter. Criteria: Invitae Variant Classification Sherloc (09022015). Collection method: clinical testing. Allele origin: germline.
Comment: This variant has not been reported in the literature in individuals affected with FRMD7-related conditions. In summary, the available evidence is currently insufficient to determine the role of this variant in disease. Therefore, it has been classified as a Variant of Uncertain Significance. Algorithms developed to predict the effect of sequence changes on RNA splicing suggest that this variant may disrupt the consensus splice site. This variant is not present in population databases (gnomAD no frequency). This sequence change affects codon 94 of the FRMD7 mRNA. It is a 'silent' change, meaning that it does not change the encoded amino acid sequence of the FRMD7 protein.